The following is an entry in ClinVar:

ClinVar aggregate classification (germline): Uncertain significance (1 of 4 stars; one submission).

gnomAD v4.1: 1 of 1,550,366 alleles (0.000065%); highest among the groups gnomAD compares: Non-Finnish European, 0.000087%; no homozygotes.

Submission:

GeneDx
Classification: Uncertain significance. Last evaluated: 2026-03-09. Review status: criteria provided, single submitter. Criteria: GeneDx Variant Classification Process June 2021. Collection method: clinical testing. Allele origin: germline.
Comment: Not observed at significant frequency in large population cohorts (gnomAD); In silico analysis suggests that this missense variant does not alter protein structure/function; Has not been previously published as pathogenic or benign to our knowledge

NM_001367624.2(ZNF469):c.6826G>A (p.Ala2276Thr)

Gene: ZNF469 (zinc finger protein 469; plus strand). Cytogenetic location: 16q24.2.
Variant type: single nucleotide variant.
Coding change: c.6826G>A on transcript NM_001367624.2 (MANE Select); coding-DNA position 6826, G replaced by A.
Protein change: p.Ala2276Thr; replaces alanine 2276 with threonine.
Molecular consequence: missense variant.
Genome position (GRCh38, 1-based): chr16:88,434,296, G>A. VCF-style: chr16-88434296-G-A. GRCh37 (hg19) VCF-style: chr16-88500704-G-A.
Other names: NM_001127464.1:c.6742G>A; short protein forms A2276T.
Identifiers: ClinVar variation 5008808 (VCV005008808.1).